The following is an entry in ClinVar:

NM_015189.3(EXOC6B):c.789G>A (p.Pro263=)

Gene: EXOC6B (exocyst complex component 6B; minus strand). Cytogenetic location: 2p13.2.
Variant type: single nucleotide variant.
Coding change: c.789G>A on transcript NM_015189.3 (MANE Select); coding-DNA position 789, G replaced by A.
Protein change: p.Pro263=; no amino-acid change (proline 263 retained).
Molecular consequence: synonymous variant. On other transcripts: non-coding transcript variant (2).
Genome position (GRCh38, 1-based): chr2:72,575,549, C>T on the plus strand (G>A on the coding strand, the complement: EXOC6B is on the minus strand). VCF-style: chr2-72575549-C-T. GRCh37 (hg19) VCF-style: chr2-72802678-C-T.
Other names: c.789G>A, p.Pro263= (NM_001321729.2, NM_001321730.2, NM_001321731.2 and 1 more transcripts); c.450G>A, p.Pro150= (NM_001321734.2); c.789G>A (NM_015189.2).
Identifiers: ClinVar variation 1661432 (VCV001661432.10), dbSNP rs753145570, ClinGen allele CA1708660.

ClinVar aggregate classification (germline): Likely benign. Review status: criteria provided, single submitter (1 of 4 stars). 2 submissions from 2 submitters: Likely benign (1). 1 of the submissions does not count toward it. Last evaluated 2024-10-15.

Conditions:
EXOC6B-related disorder. Also called: EXOC6B-related condition.

Allele frequency attached by ClinVar (database versions not stated): gnomAD exomes 0.00001 and 0.00002; ExAC 0.00002; gnomAD 0.00002; TOPMed 0.00004.
gnomAD v4.1: 16 of 1,610,854 alleles (0.00099%); highest among the groups gnomAD compares: East Asian, 0.011%; no homozygotes.

Submissions (2):

Labcorp Genetics (formerly Invitae), Labcorp
Classification: Likely benign. Last evaluated: 2024-10-15. Review status: criteria provided, single submitter. Criteria: Invitae Variant Classification Sherloc (09022015). Collection method: clinical testing. Allele origin: germline.

PreventionGenetics, part of Exact Sciences
Classification: Likely benign for EXOC6B-related condition. Last evaluated: 2019-07-12. Review status: no assertion criteria provided. Collection method: clinical testing. Allele origin: germline. Not counted in ClinVar's aggregate classification.
Comment: This variant is classified as likely benign based on ACMG/AMP sequence variant interpretation guidelines (Richards et al. 2015 PMID: 25741868, with internal and published modifications).